The following is an entry in ClinVar:

ClinVar aggregate classification (germline): Uncertain significance. Review status: criteria provided, multiple submitters, no conflicts (2 of 4 stars). 2 submissions from 2 submitters: Uncertain significance (2). Last evaluated 2025-11-24.

Conditions:
Inborn genetic diseases. Identifiers: MedGen C0950123, MeSH D030342.

Allele frequency attached by ClinVar (database versions not stated): gnomAD exomes below 0.00001; TOPMed 0.00003; gnomAD 0.00005.
gnomAD v4.1: 10 of 1,554,360 alleles (0.00064%); highest among the groups gnomAD compares: African/African-American, 0.012%; no homozygotes.

Submissions (2):

Ambry Genetics
Classification: Uncertain significance for Inborn genetic diseases. Last evaluated: 2025-11-24. Review status: criteria provided, single submitter. Criteria: Ambry Variant Classification Scheme 2023. Collection method: clinical testing. Allele origin: germline.

Labcorp Genetics (formerly Invitae), Labcorp
Classification: Uncertain significance. Last evaluated: 2024-09-27. Review status: criteria provided, single submitter. Criteria: Invitae Variant Classification Sherloc (09022015). Collection method: clinical testing. Allele origin: germline.
Comment: This sequence change replaces proline, which is neutral and non-polar, with leucine, which is neutral and non-polar, at codon 371 of the COL18A1 protein (p.Pro371Leu). The frequency data for this variant in the population databases is considered unreliable, as metrics indicate poor data quality at this position in the gnomAD database. This variant has not been reported in the literature in individuals affected with COL18A1-related conditions. ClinVar contains an entry for this variant (Variation ID: 2180515). Experimental studies and prediction algorithms are not available or were not evaluated, and the functional significance of this variant is currently unknown. In summary, the available evidence is currently insufficient to determine the role of this variant in disease. Therefore, it has been classified as a Variant of Uncertain Significance.

NM_001379500.1(COL18A1):c.1112C>T (p.Pro371Leu)

Gene: COL18A1 (collagen type XVIII alpha 1 chain; plus strand). Cytogenetic location: 21q22.3.
Variant type: single nucleotide variant.
Coding change: c.1112C>T on transcript NM_001379500.1 (MANE Select); coding-DNA position 1112, C replaced by T.
Protein change: p.Pro371Leu; replaces proline 371 with leucine.
Molecular consequence: missense variant.
Genome position (GRCh38, 1-based): chr21:45,477,856, C>T. VCF-style: chr21-45477856-C-T. GRCh37 (hg19) VCF-style: chr21-46897770-C-T.
Other names: NM_130445.2:c.1112C>T; c.1652C>T, p.Pro551Leu (NM_030582.4); c.2357C>T, p.Pro786Leu (NM_130444.3); short protein forms P371L, P551L, P786L.
Identifiers: ClinVar variation 2180515 (VCV002180515.4), dbSNP rs938623180, ClinGen allele CA321916454.
Genomic context (GRCh38, chr21:45,477,856, plus strand): 5'-CTGGCCGGGCAGGCCCCCCAGGATCCCCATGCCTACCTGGTCCCCCGGGTCTCCCGTGCC[C>T]AGTGAGTCCCCTGGGTCCTGCAGGCCCAGCGTTGCAAACTGTCCCCGGACCACAAGGACC-3'
Protein context (NP_001366429.1, residues 361-381): CLPGPPGLPC[Pro371Leu]VSPLGPAGPA